The following is an entry in ClinVar:

NM_015295.3(SMCHD1):c.4469A>G (p.Lys1490Arg)

Gene: SMCHD1 (structural maintenance of chromosomes flexible hinge domain containing 1; plus strand). Cytogenetic location: 18p11.32.
Variant type: single nucleotide variant.
Coding change: c.4469A>G on transcript NM_015295.3 (MANE Select); coding-DNA position 4469, A replaced by G.
Protein change: p.Lys1490Arg; replaces lysine 1490 with arginine.
Molecular consequence: missense variant.
Genome position (GRCh38, 1-based): chr18:2,762,139, A>G. VCF-style: chr18-2762139-A-G. GRCh37 (hg19) VCF-style: chr18-2762137-A-G.
Other names: short protein forms K1490R.
Identifiers: ClinVar variation 2847136 (VCV002847136.3), dbSNP rs1349977684, ClinGen allele CA401695159.

ClinVar aggregate classification (germline): Uncertain significance (1 of 4 stars; one submission).

Conditions:
Facioscapulohumeral muscular dystrophy 2 (FSHD2). Also called: MUSCULAR DYSTROPHY, FACIOSCAPULOHUMERAL, TYPE 1B; FSHD2, DIGENIC; FACIOSCAPULOHUMERAL MUSCULAR DYSTROPHY 2, DIGENIC. Identifiers: Orphanet 269, MedGen C1834671, MONDO:0008031, OMIM 158901.

Submission:

Labcorp Genetics (formerly Invitae), Labcorp
Classification: Uncertain significance for Facioscapulohumeral muscular dystrophy 2. Last evaluated: 2023-03-18. Review status: criteria provided, single submitter. Criteria: Invitae Variant Classification Sherloc (09022015). Collection method: clinical testing. Allele origin: germline.
Comment: This sequence change replaces lysine, which is basic and polar, with arginine, which is basic and polar, at codon 1490 of the SMCHD1 protein (p.Lys1490Arg). In summary, the available evidence is currently insufficient to determine the role of this variant in disease. Therefore, it has been classified as a Variant of Uncertain Significance. Algorithms developed to predict the effect of sequence changes on RNA splicing suggest that this variant may create or strengthen a splice site. Advanced modeling of protein sequence and biophysical properties (such as structural, functional, and spatial information, amino acid conservation, physicochemical variation, residue mobility, and thermodynamic stability) performed at Invitae indicates that this missense variant is not expected to disrupt SMCHD1 protein function. This variant has not been reported in the literature in individuals affected with SMCHD1-related conditions. This variant is present in population databases (no rsID available, gnomAD 0.0009%).